The following is an entry in ClinVar:

NM_001378454.1(ALMS1):c.12142T>A (p.Phe4048Ile)

Genes: ALMS1 (ALMS1 centrosome and basal body associated protein; plus strand), LOC126806252 (BRD4-independent group 4 enhancer GRCh37_chr2:73828496-73829695; plus strand). Cytogenetic location: 2p13.1.
Variant type: single nucleotide variant.
Coding change: c.12142T>A on transcript NM_001378454.1 (MANE Select); coding-DNA position 12142, T replaced by A.
Protein change: p.Phe4048Ile; replaces phenylalanine 4048 with isoleucine.
Molecular consequence: missense variant.
Genome position (GRCh38, 1-based): chr2:73,602,212, T>A. VCF-style: chr2-73602212-T-A. GRCh37 (hg19) VCF-style: chr2-73829339-T-A.
Other names: c.12145T>A, p.Phe4049Ile (NM_015120.4); short protein forms F4049I, F4048I.
Identifiers: ClinVar variation 840416 (VCV000840416.10), dbSNP rs1675709581, ClinGen allele CA347267765.

ClinVar aggregate classification (germline): Uncertain significance (1 of 4 stars; one submission).

Conditions:
Alstrom syndrome (ALMS). Identifiers: Orphanet 64, MedGen C0268425, MONDO:0008763, OMIM 203800.

Submission:

Labcorp Genetics (formerly Invitae), Labcorp
Classification: Uncertain significance for Alstrom syndrome. Last evaluated: 2025-04-07. Review status: criteria provided, single submitter. Criteria: Invitae Variant Classification Sherloc (09022015). Collection method: clinical testing. Allele origin: germline.
Comment: This sequence change replaces phenylalanine, which is neutral and non-polar, with isoleucine, which is neutral and non-polar, at codon 4049 of the ALMS1 protein (p.Phe4049Ile). This variant is not present in population databases (gnomAD no frequency). This variant has not been reported in the literature in individuals affected with ALMS1-related conditions. ClinVar contains an entry for this variant (Variation ID: 840416). Experimental studies and prediction algorithms are not available or were not evaluated, and the functional significance of this variant is currently unknown. In summary, the available evidence is currently insufficient to determine the role of this variant in disease. Therefore, it has been classified as a Variant of Uncertain Significance.